The following is an entry in ClinVar:

ClinVar aggregate classification (germline): Uncertain significance (1 of 4 stars; one submission).

Conditions:
Hereditary cancer-predisposing syndrome. Also called: Hereditary neoplastic syndrome; Hereditary Cancer Syndrome; Neoplastic Syndromes, Hereditary; Tumor predisposition. Identifiers: Orphanet 140162, MedGen C0027672, MeSH D009386, MONDO:0015356.

Submission:

Ambry Genetics
Classification: Uncertain significance for Hereditary cancer-predisposing syndrome. Last evaluated: 2023-05-22. Review status: criteria provided, single submitter. Criteria: Ambry Variant Classification Scheme 2023. Collection method: clinical testing. Allele origin: germline.
Comment: The c.4056G>A variant (also known as p.K1352K), located in coding exon 27 of the ALK gene, results from a G to A substitution at nucleotide position 4056. This nucleotide substitution does not change the lysine at codon 1352. This nucleotide position is not well conserved in available vertebrate species. In silico splice site analysis for this alteration is inconclusive. Since supporting evidence is limited at this time, the clinical significance of this alteration remains unclear.

NM_004304.5(ALK):c.4056G>A (p.Lys1352=)

Gene: ALK (ALK receptor tyrosine kinase; minus strand). Cytogenetic location: 2p23.2.
Variant type: single nucleotide variant.
Coding change: c.4056G>A on transcript NM_004304.5 (MANE Select); coding-DNA position 4056, G replaced by A.
Protein change: p.Lys1352=; no amino-acid change (lysine 1352 retained).
Molecular consequence: synonymous variant.
Genome position (GRCh38, 1-based): chr2:29,197,559, C>T on the plus strand (G>A on the coding strand, the complement: ALK is on the minus strand). VCF-style: chr2-29197559-C-T. GRCh37 (hg19) VCF-style: chr2-29420425-C-T.
Other names: c.852G>A, p.Lys284= (NM_001353765.2).
Identifiers: ClinVar variation 2566592 (VCV002566592.2), dbSNP rs2148143244, ClinGen allele CA425433884.
Genomic context (GRCh38, chr2:29,197,559, plus strand): 5'-AACTGCTTAGTAACTAGCAGAAGTGTTCCTAAAAGAGTCATACACAGGCCCAGGGCAGTT[C>T]TTGGGTGGGTCCATCCGGCCTCCACTGGTGACAAACTCCAGAACTTCCTGGTTGCTTTTG-3'
Protein context (NP_004295.2, residues 1342-1362): VTSGGRMDPP[Lys1352=]NCPGPVYRIM